The following is an entry in ClinVar:

NM_006371.5(CRTAP):c.*3142G>A

Gene: CRTAP (cartilage associated protein; plus strand). Cytogenetic location: 3p22.3.
Variant type: single nucleotide variant.
Coding change: c.*3142G>A on transcript NM_006371.5 (MANE Select); 3142 bases downstream of the stop codon, G replaced by A.
Molecular consequence: 3 prime UTR variant.
Genome position (GRCh38, 1-based): chr3:33,145,590, G>A. VCF-style: chr3-33145590-G-A. GRCh37 (hg19) VCF-style: chr3-33187082-G-A.
Identifiers: ClinVar variation 344863 (VCV000344863.6), dbSNP rs12635415, ClinGen allele CA10618496.

ClinVar aggregate classification (germline): Benign. Review status: criteria provided, multiple submitters, no conflicts (2 of 4 stars). 2 submissions from 2 submitters: Benign (2). Last evaluated 2018-01-13.

Conditions:
Osteogenesis imperfecta type 7 (OI7). Also called: OI type 7; OI type VII; OSTEOGENESIS IMPERFECTA, TYPE IIB; Osteogenesis imperfecta type 2B; OI type 2B; Osteogenesis imperfecta, perinatal lethal autosomal recessive. Identifiers: MedGen C1853162, MONDO:0012536, OMIM 610682.

Allele frequency attached by ClinVar (database versions not stated): gnomAD 0.13012 and 0.13598; TOPMed 0.13776; gnomAD exomes 0.14583; 1000 Genomes Project 30x 0.15818; 1000 Genomes Project 0.16234.
gnomAD v4.1: 20,794 of 152,358 alleles (14%); highest among the groups gnomAD compares: East Asian, 25%; 1,713 homozygotes.

Submissions (2):

Illumina Laboratory Services, Illumina
Classification: Benign for Osteogenesis imperfecta type 7. Last evaluated: 2018-01-13. Review status: criteria provided, single submitter. Criteria: ICSL Variant Classification Criteria 13 December 2019. Collection method: clinical testing. Allele origin: germline.
Comment: This variant was observed in the ICSL laboratory as part of a predisposition screen in an ostensibly healthy population. It had not been previously curated by ICSL or reported in the Human Gene Mutation Database (HGMD: prior to June 1st, 2018), and was therefore a candidate for classification through an automated scoring system. Utilizing variant allele frequency, disease prevalence and penetrance estimates, and inheritance mode, an automated score was calculated to assess if this variant is too frequent to cause the disease. Based on the score and internal cut-off values, a variant classified as benign is not then subjected to further curation. The score for this variant resulted in a classification of benign for this disease.

Breakthrough Genomics
Classification: Benign. Review status: criteria provided, single submitter. Criteria: ACMG Guidelines, 2015. Collection method: not provided. Allele origin: germline. Inheritance: Autosomal recessive inheritance. Affected: yes.